The following is an entry in ClinVar:

NM_001042492.3(NF1):c.8160G>A (p.Lys2720=)

Gene: NF1 (neurofibromin 1; plus strand). Cytogenetic location: 17q11.2.
Variant type: single nucleotide variant.
Coding change: c.8160G>A on transcript NM_001042492.3 (MANE Select); coding-DNA position 8160, G replaced by A.
Protein change: p.Lys2720=; no amino-acid change (lysine 2720 retained).
Molecular consequence: synonymous variant.
Genome position (GRCh38, 1-based): chr17:31,359,015, G>A. VCF-style: chr17-31359015-G-A. GRCh37 (hg19) VCF-style: chr17-29686033-G-A.
Other names: c.8097G>A, p.Lys2699= (NM_000267.4).
Identifiers: ClinVar variation 1026167 (VCV001026167.5), dbSNP rs1555537030, ClinGen allele CA499346493.

ClinVar aggregate classification (germline): Uncertain significance (1 of 4 stars; one submission).

Conditions:
Neurofibromatosis, type 1 (NF1). Also called: Peripheral type neurofibromatosis; Neurofibromatosis, type I; VON RECKLINGHAUSEN DISEASE; NEUROFIBROMATOSIS, TYPE I, SOMATIC. Identifiers: Orphanet 636, MedGen C0027831, MONDO:0018975, OMIM 162200. Disease mechanism: loss of function.

Submission:

Labcorp Genetics (formerly Invitae), Labcorp
Classification: Uncertain significance for Neurofibromatosis, type 1. Last evaluated: 2025-11-10. Review status: criteria provided, single submitter. Criteria: Invitae Variant Classification Sherloc (09022015). Collection method: clinical testing. Allele origin: germline.
Comment: This sequence change affects codon 2699 of the NF1 mRNA. It is a 'silent' change, meaning that it does not change the encoded amino acid sequence of the NF1 protein. This variant also falls at the last nucleotide of exon 55, which is part of the consensus splice site for this exon. This variant is not present in population databases (gnomAD no frequency). This variant has not been reported in the literature in individuals affected with NF1-related conditions. ClinVar contains an entry for this variant (Variation ID: 1026167). Variants that disrupt the consensus splice site are a relatively common cause of aberrant splicing (PMID: 17576681, 9536098). Algorithms developed to predict the effect of sequence changes on RNA splicing suggest that this variant is not likely to affect RNA splicing. In summary, the available evidence is currently insufficient to determine the role of this variant in disease. Therefore, it has been classified as a Variant of Uncertain Significance.

Literature cited by the submitters: PubMed 17576681; PubMed 9536098.